The following is an entry in ClinVar:

NM_080632.3(UPF3B):c.592A>G (p.Thr198Ala)

Gene: UPF3B (UPF3B regulator of nonsense mediated mRNA decay; minus strand). Cytogenetic location: Xq24.
Variant type: single nucleotide variant.
Coding change: c.592A>G on transcript NM_080632.3 (MANE Select); coding-DNA position 592, A replaced by G.
Protein change: p.Thr198Ala; replaces threonine 198 with alanine.
Molecular consequence: missense variant.
Genome position (GRCh38, 1-based): chrX:119,841,767, T>C on the plus strand (A>G on the coding strand, the complement: UPF3B is on the minus strand). VCF-style: chrX-119841767-T-C. GRCh37 (hg19) VCF-style: chrX-118975730-T-C.
Other names: c.592A>G, p.Thr198Ala (NM_023010.4); short protein forms T198A.
Identifiers: ClinVar variation 3603152 (VCV003603152.1).

ClinVar aggregate classification (germline): Uncertain significance (1 of 4 stars; one submission).

Submission:

GeneDx
Classification: Uncertain significance. Last evaluated: 2024-08-05. Review status: criteria provided, single submitter. Criteria: GeneDx Variant Classification Process June 2021. Collection method: clinical testing. Allele origin: germline. Affected: yes.
Comment: Not observed at significant frequency in large population cohorts (gnomAD); In silico analysis supports that this missense variant has a deleterious effect on protein structure/function; Has not been previously published as pathogenic or benign to our knowledge